The following is an entry in ClinVar:

NM_015909.4(NBAS):c.6680T>G (p.Leu2227Trp)

Gene: NBAS (NBAS subunit of NRZ tethering complex; minus strand). Cytogenetic location: 2p24.3.
Variant type: single nucleotide variant.
Coding change: c.6680T>G on transcript NM_015909.4 (MANE Select); coding-DNA position 6680, T replaced by G.
Protein change: p.Leu2227Trp; replaces leucine 2227 with tryptophan.
Molecular consequence: missense variant. On other transcripts: non-coding transcript variant (1).
Genome position (GRCh38, 1-based): chr2:15,186,773, A>C on the plus strand (T>G on the coding strand, the complement: NBAS is on the minus strand). VCF-style: chr2-15186773-A-C. GRCh37 (hg19) VCF-style: chr2-15326897-A-C.
Other names: short protein forms L2227W.
Identifiers: ClinVar variation 1960522 (VCV001960522.4), dbSNP rs200206935, ClinGen allele CA1534935.

ClinVar aggregate classification (germline): Uncertain significance (1 of 4 stars; one submission).

Allele frequency attached by ClinVar (database versions not stated): TOPMed 0.00001; gnomAD 0.00005; ExAC 0.00009; gnomAD exomes 0.00009.
gnomAD v4.1: 62 of 1,613,746 alleles (0.0038%); highest among the groups gnomAD compares: Non-Finnish European, 0.00051%; no homozygotes.

Submission:

Labcorp Genetics (formerly Invitae), Labcorp
Classification: Uncertain significance. Last evaluated: 2025-01-06. Review status: criteria provided, single submitter. Criteria: Invitae Variant Classification Sherloc (09022015). Collection method: clinical testing. Allele origin: germline.
Comment: This sequence change replaces leucine, which is neutral and non-polar, with tryptophan, which is neutral and slightly polar, at codon 2227 of the NBAS protein (p.Leu2227Trp). This variant is present in population databases (rs200206935, gnomAD 0.08%). This variant has not been reported in the literature in individuals affected with NBAS-related conditions. ClinVar contains an entry for this variant (Variation ID: 1960522). Invitae Evidence Modeling of protein sequence and biophysical properties (such as structural, functional, and spatial information, amino acid conservation, physicochemical variation, residue mobility, and thermodynamic stability) has been performed for this missense variant. However, the output from this modeling did not meet the statistical confidence thresholds required to predict the impact of this variant on NBAS protein function. In summary, the available evidence is currently insufficient to determine the role of this variant in disease. Therefore, it has been classified as a Variant of Uncertain Significance.